The following is an entry in ClinVar:

NM_006767.4(LZTR1):c.1259A>G (p.Gln420Arg)

Gene: LZTR1 (leucine zipper like post translational regulator 1; plus strand). Cytogenetic location: 22q11.21.
Variant type: single nucleotide variant.
Coding change: c.1259A>G on transcript NM_006767.4 (MANE Select); coding-DNA position 1259, A replaced by G.
Protein change: p.Gln420Arg; replaces glutamine 420 with arginine.
Molecular consequence: missense variant.
Genome position (GRCh38, 1-based): chr22:20,992,903, A>G. VCF-style: chr22-20992903-A-G. GRCh37 (hg19) VCF-style: chr22-21347192-A-G.
Other names: short protein forms Q420R.
Identifiers: ClinVar variation 1762465 (VCV001762465.5), dbSNP rs769935670, ClinGen allele CA10118771.

ClinVar aggregate classification (germline): Uncertain significance. Review status: criteria provided, multiple submitters, no conflicts (2 of 4 stars). 2 submissions from 2 submitters: Uncertain significance (2). Last evaluated 2025-01-18.

Conditions:
Cardiovascular phenotype. Identifiers: MedGen CN230736.
Hereditary cancer-predisposing syndrome. Also called: Neoplastic Syndromes, Hereditary; Tumor predisposition; Hereditary Cancer Syndrome; Hereditary neoplastic syndrome. Identifiers: Orphanet 140162, MedGen C0027672, MeSH D009386, MONDO:0015356.

Allele frequency attached by ClinVar (database versions not stated): gnomAD exomes below 0.00001; ExAC 0.00002.
gnomAD v4.1: 3 of 1,588,832 alleles (0.00019%); highest among the groups gnomAD compares: Non-Finnish European, 0.00026%; no homozygotes.

Submissions (2):

Ambry Genetics
Classification: Uncertain significance for Cardiovascular phenotype; Hereditary cancer-predisposing syndrome. Last evaluated: 2025-01-18. Review status: criteria provided, single submitter. Criteria: Ambry Variant Classification Scheme 2023. Collection method: clinical testing. Allele origin: germline.
Comment: The p.Q420R variant (also known as c.1259A>G), located in coding exon 11 of the LZTR1 gene, results from an A to G substitution at nucleotide position 1259. The glutamine at codon 420 is replaced by arginine, an amino acid with highly similar properties. This amino acid position is highly conserved in available vertebrate species. In addition, the in silico prediction for this alteration is inconclusive. Since supporting evidence is limited at this time, the clinical significance of this alteration remains unclear.

Labcorp Genetics (formerly Invitae), Labcorp
Classification: Uncertain significance. Last evaluated: 2024-10-24. Review status: criteria provided, single submitter. Criteria: Invitae Variant Classification Sherloc (09022015). Collection method: clinical testing. Allele origin: germline.
Comment: This sequence change replaces glutamine, which is neutral and polar, with arginine, which is basic and polar, at codon 420 of the LZTR1 protein (p.Gln420Arg). The frequency data for this variant in the population databases is considered unreliable, as metrics indicate poor data quality at this position in the gnomAD database. This variant has not been reported in the literature in individuals affected with LZTR1-related conditions. ClinVar contains an entry for this variant (Variation ID: 1762465). An algorithm developed to predict the effect of missense changes on protein structure and function (PolyPhen-2) suggests that this variant is likely to be disruptive. Algorithms developed to predict the effect of sequence changes on RNA splicing suggest that this variant may disrupt the consensus splice site. In summary, the available evidence is currently insufficient to determine the role of this variant in disease. Therefore, it has been classified as a Variant of Uncertain Significance.